The following is an entry in ClinVar:

ClinVar aggregate classification (germline): Likely pathogenic (1 of 4 stars; one submission).

Conditions:
PSAT1-related disorder. Also called: PSAT1-related condition; PSAT1-related disorders.

Submission:

Women's Health and Genetics/Laboratory Corporation of America, LabCorp
Classification: Likely pathogenic for PSAT1-Related Disorders. Last evaluated: 2024-06-19. Review status: criteria provided, single submitter. Criteria: LabCorp Variant Classification Summary - May 2015. Collection method: clinical testing. Allele origin: germline.
Comment: Variant summary: PSAT1 c.60+2T>C is located in a canonical splice-site and is predicted to affect mRNA splicing resulting in a significantly altered protein due to either exon skipping, shortening, or inclusion of intronic material. Several computational tools predict a significant impact on normal splicing: Three predict the variant abolishes the canonical 5' splicing donor site. One predict the variant no significant impact on splicing. However, these predictions have yet to be confirmed by functional studies. The variant was absent in 227624 control chromosomes. To our knowledge, no occurrence of c.60+2T>C in individuals affected with PSAT1-Related Disorders and no experimental evidence demonstrating its impact on protein function have been reported. No submitters have cited clinical-significance assessments for this variant to ClinVar. Based on the evidence outlined above, the variant was classified as likely pathogenic.

NM_058179.4(PSAT1):c.60+2T>C

Gene: PSAT1 (phosphoserine aminotransferase 1; plus strand). Cytogenetic location: 9q21.2.
Variant type: single nucleotide variant.
Coding change: c.60+2T>C on transcript NM_058179.4 (MANE Select); the canonical splice donor site of the intron after coding-DNA position 60, T replaced by C.
Molecular consequence: splice donor variant.
Genome position (GRCh38, 1-based): chr9:78,297,272, T>C. VCF-style: chr9-78297272-T-C. GRCh37 (hg19) VCF-style: chr9-80912188-T-C.
Other names: c.60+2T>C (NM_021154.5).
Identifiers: ClinVar variation 3339981 (VCV003339981.1).